The following is an entry in ClinVar:

ClinVar aggregate classification (germline): Uncertain significance (1 of 4 stars; one submission).

Conditions:
Hereditary cancer-predisposing syndrome. Also called: Hereditary Cancer Syndrome; Tumor predisposition; Hereditary neoplastic syndrome; Neoplastic Syndromes, Hereditary. Identifiers: Orphanet 140162, MedGen C0027672, MeSH D009386, MONDO:0015356.
Cardiovascular phenotype. Identifiers: MedGen CN230736.

Submission:

Ambry Genetics
Classification: Uncertain significance for Cardiovascular phenotype; Hereditary cancer-predisposing syndrome. Last evaluated: 2024-10-18. Review status: criteria provided, single submitter. Criteria: Ambry Variant Classification Scheme 2023. Collection method: clinical testing. Allele origin: germline.
Comment: The p.S404P variant (also known as c.1210T>C), located in coding exon 11 of the NF1 gene, results from a T to C substitution at nucleotide position 1210. The serine at codon 404 is replaced by proline, an amino acid with similar properties. This amino acid position is conserved. In addition, this alteration is predicted to be deleterious by in silico analysis. Based on the available evidence, the clinical significance of this variant remains unclear.

NM_001042492.3(NF1):c.1210T>C (p.Ser404Pro)

Gene: NF1 (neurofibromin 1; plus strand). Cytogenetic location: 17q11.2.
Variant type: single nucleotide variant.
Coding change: c.1210T>C on transcript NM_001042492.3 (MANE Select); coding-DNA position 1210, T replaced by C.
Protein change: p.Ser404Pro; replaces serine 404 with proline.
Molecular consequence: missense variant.
Genome position (GRCh38, 1-based): chr17:31,201,435, T>C. VCF-style: chr17-31201435-T-C. GRCh37 (hg19) VCF-style: chr17-29528453-T-C.
Other names: c.1210T>C, p.Ser404Pro (NM_000267.4, NM_001128147.3); short protein forms S404P.
Identifiers: ClinVar variation 3404806 (VCV003404806.1).